The following is an entry in ClinVar:

NM_005228.5(EGFR):c.628+1G>T

Gene: EGFR (epidermal growth factor receptor; plus strand). Cytogenetic location: 7p11.2.
Variant type: single nucleotide variant.
Coding change: c.628+1G>T on transcript NM_005228.5 (MANE Select); the canonical splice donor site of the intron after coding-DNA position 628, G replaced by T.
Molecular consequence: splice donor variant. On other transcripts: intron variant (1).
Genome position (GRCh38, 1-based): chr7:55,151,363, G>T. VCF-style: chr7-55151363-G-T. GRCh37 (hg19) VCF-style: chr7-55219056-G-T.
Other names: c.493+1G>T (NM_001346899.2, NM_001346897.2); c.89-4467G>T (NM_001346941.2); c.628+1G>T (NM_001346898.2, NM_201284.2, NM_201282.2 and 2 more transcripts); c.469+1G>T (NM_001346900.2).
Identifiers: ClinVar variation 2909132 (VCV002909132.4), dbSNP rs1360336411, ClinGen allele CA367577302.

ClinVar aggregate classification (germline): Conflicting classifications of pathogenicity. Review status: criteria provided, conflicting classifications (1 of 4 stars). 2 submissions from 2 submitters: Likely pathogenic (1); Uncertain significance (1). Last evaluated 2026-03-20.

Conditions:
Hereditary cancer-predisposing syndrome. Also called: Hereditary neoplastic syndrome; Neoplastic Syndromes, Hereditary; Tumor predisposition; Hereditary Cancer Syndrome. Identifiers: Orphanet 140162, MedGen C0027672, MeSH D009386, MONDO:0015356.
EGFR-related lung cancer (EGFR). Identifiers: MedGen CN130014.

Submissions (2):

Ambry Genetics
Classification: Uncertain significance for Hereditary cancer-predisposing syndrome. Last evaluated: 2026-03-20. Review status: criteria provided, single submitter. Criteria: Ambry Variant Classification Scheme 2023. Collection method: clinical testing. Allele origin: germline.
Comment: The c.628+1G>T intronic variant results from a G to T substitution one nucleotide after coding exon 5 of the EGFR gene. Variants that disrupt the canonical splice site are expected to result in aberrant splicing. In silico splice site analysis predicts that this alteration will weaken the native splice donor site. A resulting transcript is predicted to be in-frame and is not expected to trigger nonsense-mediated mRNA decay; although, direct evidence is unavailable. This nucleotide position is highly conserved in available vertebrate species. Based on the available evidence, the clinical significance of this variant remains unclear.

Labcorp Genetics (formerly Invitae), Labcorp
Classification: Likely pathogenic for EGFR-related lung cancer. Last evaluated: 2023-01-06. Review status: criteria provided, single submitter. Criteria: Invitae Variant Classification Sherloc (09022015). Collection method: clinical testing. Allele origin: germline.
Comment: This sequence change affects a donor splice site in intron 5 of the EGFR gene. It is expected to disrupt RNA splicing. Variants that disrupt the donor or acceptor splice site typically lead to a loss of protein function (PMID: 16199547), and loss-of-function variants in EGFR are known to be pathogenic (PMID: 7630400, 28726809, 29899996). This variant is not present in population databases (gnomAD no frequency). This variant has not been reported in the literature in individuals affected with EGFR-related conditions. Algorithms developed to predict the effect of sequence changes on RNA splicing suggest that this variant may disrupt the consensus splice site. In summary, the currently available evidence indicates that the variant is pathogenic, but additional data are needed to prove that conclusively. Therefore, this variant has been classified as Likely Pathogenic.

Literature cited by the submitters: PubMed 16199547 (cited by Labcorp Genetics (formerly Invitae), Labcorp); PubMed 7630400 (cited by Labcorp Genetics (formerly Invitae), Labcorp); PubMed 28726809 (cited by Labcorp Genetics (formerly Invitae), Labcorp); PubMed 29899996 (cited by Labcorp Genetics (formerly Invitae), Labcorp).